The following is an entry in ClinVar:

ClinVar aggregate classification (germline): Conflicting classifications of pathogenicity. Review status: criteria provided, conflicting classifications (1 of 4 stars). 4 submissions from 4 submitters: Likely pathogenic (2); Uncertain significance (2). Last evaluated 2026-01-12.

Conditions:
Familial hypocalciuric hypercalcemia (FHH). Also called: Familial benign hypercalcemia. Identifiers: Orphanet 405, MedGen C1809471, MONDO:0018458.
Autosomal dominant hypocalcemia 1 (HYPOC1). Also called: HYPOCALCEMIA, FAMILIAL. Identifiers: MedGen C3715128, MONDO:0011013, OMIM 601198.
CASR-related disorder. Also called: CASR-related condition.

Allele frequency attached by ClinVar (database versions not stated): gnomAD exomes below 0.00001.
gnomAD v4.1: 2 of 1,611,956 alleles (0.00012%); highest among the groups gnomAD compares: Non-Finnish European, 0.000085%; no homozygotes.

Submissions (4):

Women's Health and Genetics/Laboratory Corporation of America, LabCorp
Classification: Uncertain significance. Last evaluated: 2026-01-12. Review status: criteria provided, single submitter. Criteria: LabCorp Variant Classification Summary - May 2015. Collection method: clinical testing. Allele origin: germline.
Comment: Variant summary: CASR c.1370C>T (p.Ala457Val) results in a non-conservative amino acid change in the encoded protein sequence. Algorithms developed to predict the effect of missense changes on protein structure and function all suggest that this variant is likely to be disruptive. The variant was absent in 247140 control chromosomes (gnomAD). The available data on variant occurrences in the general population are insufficient to allow any conclusion about variant significance. c.1370C>T has been observed in individuals affected with Familial Hypocalciuric Hypercalcemia without cosegregation information (e.g. Nissen_2012, Vargas-Poussou_2016, Hureaux_2019). These reports do not provide unequivocal conclusions about association of the variant with Familial Hypocalciuric Hypercalcemia. To our knowledge, no experimental evidence demonstrating an impact on protein function has been reported. The following publications have been ascertained in the context of this evaluation (PMID: 22192860, 31672324, 26963950). ClinVar contains an entry for this variant (Variation ID: 463901). Based on the evidence outlined above, the variant was classified as uncertain significance.

PreventionGenetics, part of Exact Sciences
Classification: Likely pathogenic for CASR-related condition. Last evaluated: 2025-12-07. Review status: criteria provided, single submitter. Criteria: ACMG Guidelines, 2015. Collection method: clinical testing. Allele origin: germline.
Comment: The CASR c.1370C>T variant is predicted to result in the amino acid substitution p.Ala457Val. This variant has been reported in multiple individuals with familial hypocalciuric hypercalcemia (Vargas-Poussou et al. 2016. PubMed ID: 26963950; Hureaux et al. 2019. PubMed ID: 31672324; Nissen et al 2012. PubMed ID: 22192860). At PreventionGenetics, we previously identified this variant in several other patients with familial hypocalciuric hypercalcemia. This variant has not been reported in a large population database (gnomAD), indicating this variant is rare. This variant is interpreted as likely pathogenic.

Labcorp Genetics (formerly Invitae), Labcorp
Classification: Likely pathogenic for Familial hypocalciuric hypercalcemia; Autosomal dominant hypocalcemia 1. Last evaluated: 2025-09-03. Review status: criteria provided, single submitter. Criteria: Invitae Variant Classification Sherloc (09022015). Collection method: clinical testing. Allele origin: germline.
Comment: This sequence change replaces alanine, which is neutral and non-polar, with valine, which is neutral and non-polar, at codon 457 of the CASR protein (p.Ala457Val). This variant is not present in population databases (gnomAD no frequency). This missense change has been observed in individual(s) with hypocalciuric hypercalcemia (PMID: 22192860, 26963950, 31672324). Invitae Evidence Modeling of clinical and family history, age, sex, and reported ancestry of multiple individuals with this CASR variant has been performed. This variant is expected to be pathogenic with a positive predictive value of at least 99%. This is a validated machine learning model that incorporates the clinical features of 646,172 individuals referred to our laboratory for CASR testing. ClinVar contains an entry for this variant (Variation ID: 463901). An algorithm developed to predict the effect of missense changes on protein structure and function (PolyPhen-2) suggests that this variant is likely to be disruptive. In summary, the currently available evidence indicates that the variant is pathogenic, but additional data are needed to prove that conclusively. Therefore, this variant has been classified as Likely Pathogenic.

GeneDx
Classification: Uncertain significance. Last evaluated: 2024-04-15. Review status: criteria provided, single submitter. Criteria: GeneDx Variant Classification Process June 2021. Collection method: clinical testing. Allele origin: germline. Affected: yes.
Comment: Not observed at significant frequency in large population cohorts (gnomAD); In silico analysis indicates that this missense variant does not alter protein structure/function; In silico analysis suggests this variant may impact gene splicing. In the absence of RNA/functional studies, the actual effect of this sequence change is unknown.; This variant is associated with the following publications: (PMID: 31672324, 22192860, 26963950)

Literature cited by the submitters: PubMed 31672324 (cited by Women's Health and Genetics/Laboratory Corporation of America, LabCorp and Labcorp Genetics (formerly Invitae), Labcorp); PubMed 26963950 (cited by Women's Health and Genetics/Laboratory Corporation of America, LabCorp and Labcorp Genetics (formerly Invitae), Labcorp); PubMed 22192860 (cited by Women's Health and Genetics/Laboratory Corporation of America, LabCorp and Labcorp Genetics (formerly Invitae), Labcorp).

NM_000388.4(CASR):c.1370C>T (p.Ala457Val)

Gene: CASR (calcium sensing receptor; plus strand). Cytogenetic location: 3q21.1.
Variant type: single nucleotide variant.
Coding change: c.1370C>T on transcript NM_000388.4 (MANE Select); coding-DNA position 1370, C replaced by T.
Protein change: p.Ala457Val; replaces alanine 457 with valine.
Molecular consequence: missense variant.
Genome position (GRCh38, 1-based): chr3:122,262,405, C>T. VCF-style: chr3-122262405-C-T. GRCh37 (hg19) VCF-style: chr3-121981252-C-T.
Other names: c.1370C>T (NM_001178065.1); c.1370C>T, p.Ala457Val (NM_001178065.2); short protein forms A457V.
Identifiers: ClinVar variation 463901 (VCV000463901.14), dbSNP rs1553766930, ClinGen allele CA354153398.
Genomic context (GRCh38, chr3:122,262,405, plus strand): 5'-GCTTACCTGGGAGAGGGCTCTTCACCAATGGCTCCTGTGCAGACATCAAGAAAGTTGAGG[C>T]GTGGCAGGTGCGTCCTTCACTTATATAGCAATTTGCTGTATAATAAAGCAGAGTTGGGCT-3'
Protein context (NP_000379.3, residues 447-467): GSCADIKKVE[Ala457Val]WQVLKHLRHL